The following is an entry in ClinVar:

ClinVar aggregate classification (germline): Pathogenic (1 of 4 stars; one submission).

Conditions:
Autosomal recessive limb-girdle muscular dystrophy type 2A (LGMDR1). Also called: MUSCULAR DYSTROPHY, PELVOFEMORAL; Muscular dystrophy, limb-girdle, type 2A, Amish; Limb-girdle muscular dystrophy, type 2A; LEYDEN-MOEBIUS MUSCULAR DYSTROPHY; Calpainopathy. Identifiers: Orphanet 267, MedGen C1869123, MONDO:0009675, OMIM 253600. Disease mechanism: loss of function.

Submission:

Medical Genetic Department, The Affiliated Hospital of Qingdao University
Classification: Pathogenic for Autosomal recessive limb-girdle muscular dystrophy type 2A. Last evaluated: 2020-12-01. Review status: criteria provided, single submitter. Criteria: ACMG Guidelines, 2015. Collection method: research. Allele origin: inherited. Inheritance: Autosomal recessive inheritance. Affected: yes. Observed: 1 variant allele, 1 compound heterozygote.
Comment: The c.2201_2202delAT/p.(Tyr734*) occurred in exon 21 of CAPN3 (NM_000070.2) , which caused a variant at site 734 of the encoded protein that converted a tyrosine residue into a stop codon, which may cause protein truncation or activate nonsense-mediated CAPN3 mRNA degradation, thereby affecting the function of the protein product encoded by CAPN3 (PVS1). This variant was not detected in the normal population database (PM2); in the trans-position, the pathogenic variant c.2201_2202delAT/p.(Tyr734*) was detected (PM3). According to the 2015 ACMG guidelines for sequence variant interpretation, this variant is defined as pathogenic (PVS1+PM2+PM3).

NM_000070.3(CAPN3):c.2201_2202del (p.His733_Tyr734insTer)

Gene: CAPN3 (calpain 3; plus strand). Cytogenetic location: 15q15.1.
Variant type: Deletion.
Coding change: c.2201_2202del on transcript NM_000070.3 (MANE Select); coding-DNA positions 2201 to 2202, 2 bases deleted (AT; older notation c.2201_2202delAT).
Protein change: p.His733_Tyr734insTer.
Molecular consequence: nonsense.
Genome position (GRCh38, 1-based): chr15:42,410,604-42,410,605, AT deleted; deleting any 2 consecutive bases within chr15:42,410,603-42,410,605 gives the same sequence; the c. name uses the placement nearest the transcript's 3' end. VCF-style (leftmost placement, unchanged base first): chr15-42410602-CTA-C. GRCh37 (hg19) VCF-style: chr15-42702800-CTA-C.
Other names: c.2183_2184del, p.His727_Tyr728insTer (NM_024344.2); c.1925_1926del, p.His641_Tyr642insTer (NM_173087.2); c.665_666del, p.His221_Tyr222insTer (NM_173088.2); c.206_207del, p.His68_Tyr69insTer (NM_173089.2, NM_173090.2).
Identifiers: ClinVar variation 992898 (VCV000992898.2), dbSNP rs2054185246, ClinGen allele CA1139663857.